The following is an entry in ClinVar:

ClinVar aggregate classification (germline): Pathogenic (0 of 4 stars; one submission).

Conditions:
Keipert syndrome (KPTS). Identifiers: Orphanet 2662, MedGen C1850627, MONDO:0009720, OMIM 301026.

Submission:

Neurogenetics Research; Murdoch Childrens Research Institute
Classification: Pathogenic for NASODIGITOACOUSTIC SYNDROME. Last evaluated: 2019-02-01. Review status: no assertion criteria provided. Collection method: research. Allele origin: maternal. Affected: yes.
Comment: Pathogenic variants in GPC4 cause Keipert syndrome (nasodigitoacoustic syndrome)

NM_001448.3(GPC4):c.742del (p.Leu248fs)

Gene: GPC4 (glypican 4; minus strand). Cytogenetic location: Xq26.2.
Variant type: Deletion.
Coding change: c.742del on transcript NM_001448.3 (MANE Select); coding-DNA position 742, one base deleted (C; older notation c.742delC).
Protein change: p.Leu248fs; shifts the reading frame from leucine 248.
Molecular consequence: frameshift variant.
Genome position (GRCh38, 1-based): chrX:133,311,393, G deleted on the plus strand (C on the coding strand, the reverse complement: GPC4 is on the minus strand); the first of 3 consecutive G bases (chrX:133,311,393-133,311,395); deleting any one gives the same sequence. VCF-style (leftmost placement, unchanged base first): chrX-133311392-AG-A. GRCh37 (hg19) VCF-style: chrX-132445420-AG-A.
Other names: short protein forms L248fs.
Identifiers: ClinVar variation 626361 (VCV000626361.2), dbSNP rs1569341521, ClinGen allele CA913190937.